The following is an entry in ClinVar:

ClinVar aggregate classification (germline): Likely benign (0 of 4 stars; one submission).

Conditions:
PRKAR1A-related disorder. Also called: PRKAR1A-related condition.

Submission:

PreventionGenetics, part of Exact Sciences
Classification: Likely benign for PRKAR1A-related condition. Last evaluated: 2022-02-03. Review status: no assertion criteria provided. Collection method: clinical testing. Allele origin: germline.
Comment: This variant is classified as likely benign based on ACMG/AMP sequence variant interpretation guidelines (Richards et al. 2015 PMID: 25741868, with internal and published modifications).

NM_002734.5(PRKAR1A):c.-87G>A

Gene: PRKAR1A (protein kinase cAMP-dependent type I regulatory subunit alpha; plus strand). Cytogenetic location: 17q24.2.
Variant type: single nucleotide variant.
Coding change: c.-87G>A on transcript NM_002734.5 (MANE Select); 87 bases upstream of the start codon, G replaced by A.
Molecular consequence: 5 prime UTR variant. On other transcripts: intron variant (3).
Genome position (GRCh38, 1-based): chr17:68,512,468, G>A. VCF-style: chr17-68512468-G-A. GRCh37 (hg19) VCF-style: chr17-66508609-G-A.
Other names: c.-220G>A (NM_001276289.2); c.-118G>A (NM_212472.2); c.-6-2926G>A (NM_001278433.2); c.-140+326G>A (NM_001369389.1); c.-7+326G>A (NM_212471.3).
Identifiers: ClinVar variation 3029598 (VCV003029598.2), dbSNP rs2509338458, ClinGen allele CA2639514519.
Genomic context (GRCh38, chr17:68,512,468, plus strand): 5'-CTGCGGCCAGGCCGTTTCCGGTGGAGCTGTCGCCTAGCCGCTATCGCAGAGTGGAGCGGG[G>A]CTGGGAGCAAAGCGCTGAGGGAGCTCGGTACGCCGCCGCCTCGCACCCGCAGCCTCGCGC-3'